The following is an entry in ClinVar:

ClinVar aggregate classification (germline): Uncertain significance (1 of 4 stars; one submission).

Conditions:
Congenital contractural arachnodactyly (CCA). Also called: Arthrogryposis, distal, type 9; BEALS SYNDROME; Beals-Hecht syndrome. Identifiers: Orphanet 115, MedGen C0220668, MONDO:0007363, OMIM 121050.

Submission:

Labcorp Genetics (formerly Invitae), Labcorp
Classification: Uncertain significance for Congenital contractural arachnodactyly. Last evaluated: 2021-08-13. Review status: criteria provided, single submitter. Criteria: Invitae Variant Classification Sherloc (09022015). Collection method: clinical testing. Allele origin: germline.
Comment: This variant has not been reported in the literature in individuals affected with FBN2-related conditions. Advanced modeling of protein sequence and biophysical properties (such as structural, functional, and spatial information, amino acid conservation, physicochemical variation, residue mobility, and thermodynamic stability) performed at Invitae indicates that this missense variant is not expected to disrupt FBN2 protein function. In summary, the available evidence is currently insufficient to determine the role of this variant in disease. Therefore, it has been classified as a Variant of Uncertain Significance. This variant is not present in population databases (ExAC no frequency). This sequence change replaces proline with serine at codon 40 of the FBN2 protein (p.Pro40Ser). The proline residue is moderately conserved and there is a moderate physicochemical difference between proline and serine.

NM_001999.4(FBN2):c.118C>T (p.Pro40Ser)

Gene: FBN2 (fibrillin 2; minus strand). Cytogenetic location: 5q23.3.
Variant type: single nucleotide variant.
Coding change: c.118C>T on transcript NM_001999.4 (MANE Select); coding-DNA position 118, C replaced by T.
Protein change: p.Pro40Ser; replaces proline 40 with serine.
Molecular consequence: missense variant.
Genome position (GRCh38, 1-based): chr5:128,537,486, G>A on the plus strand (C>T on the coding strand, the complement: FBN2 is on the minus strand). VCF-style: chr5-128537486-G-A. GRCh37 (hg19) VCF-style: chr5-127873179-G-A.
Other names: short protein forms P40S.
Identifiers: ClinVar variation 1411138 (VCV001411138.6), dbSNP rs2112810915, ClinGen allele CA360762723.
Genomic context (GRCh38, chr5:128,537,486, plus strand): 5'-CTAGAAACCCGCCTTCAGAGCCTGCTGTAGCGGACCGAACCTGTTGCGGCGGCGGCTGGG[G>A]CCGGGGCGGCTTGGGCGGAGGAGGCTGAGGCTGGCCGGCCGTGCCCTGCGCCCAGAGCAC-3'
Protein context (NP_001990.2, residues 30-50): PQPPPPKPPR[Pro40Ser]QPPPQQVRSA